The following is an entry in ClinVar:

ClinVar aggregate classification (germline): Uncertain significance. Review status: criteria provided, multiple submitters, no conflicts (2 of 4 stars). 2 submissions from 2 submitters: Uncertain significance (2). Last evaluated 2026-08-05.

Conditions:
Hereditary cancer-predisposing syndrome. Also called: Tumor predisposition; Hereditary Cancer Syndrome; Hereditary neoplastic syndrome; Neoplastic Syndromes, Hereditary. Identifiers: Orphanet 140162, MedGen C0027672, MeSH D009386, MONDO:0015356.
Mitochondrial complex II deficiency, nuclear type 1. Also called: SUCCINATE CoQ REDUCTASE DEFICIENCY. Identifiers: Orphanet 3208, MedGen C5700310, MONDO:0100294, OMIM 252011.
Pheochromocytoma/paraganglioma syndrome 5. Also called: Paragangliomas 5; SDHA-Related Hereditary Paraganglioma-Pheochromocytoma Syndrome. Identifiers: Orphanet 29072, MedGen C3279992, MONDO:0013602, OMIM 614165.

Submissions (2):

Ambry Genetics
Classification: Uncertain significance for Hereditary cancer-predisposing syndrome. Last evaluated: 2026-08-05. Review status: criteria provided, single submitter. Criteria: Ambry Variant Classification Scheme 2023. Collection method: clinical testing. Allele origin: germline.
Comment: The p.G68S variant (also known as c.202G>A), located in coding exon 3 of the SDHA gene, results from a G to A substitution at nucleotide position 202. The glycine at codon 68 is replaced by serine, an amino acid with similar properties. This amino acid position is highly conserved in available vertebrate species. In addition, this alteration is predicted to be deleterious by in silico analysis. Based on the available evidence, the clinical significance of this variant remains unclear.

Labcorp Genetics (formerly Invitae), Labcorp
Classification: Uncertain significance for Pheochromocytoma/paraganglioma syndrome 5; Mitochondrial complex II deficiency, nuclear type 1. Last evaluated: 2022-01-18. Review status: criteria provided, single submitter. Criteria: Invitae Variant Classification Sherloc (09022015). Collection method: clinical testing. Allele origin: germline.
Comment: This variant has not been reported in the literature in individuals affected with SDHA-related conditions. Algorithms developed to predict the effect of missense changes on protein structure and function (SIFT, PolyPhen-2, Align-GVGD) all suggest that this variant is likely to be disruptive. Algorithms developed to predict the effect of sequence changes on RNA splicing suggest that this variant may create or strengthen a splice site. In summary, the available evidence is currently insufficient to determine the role of this variant in disease. Therefore, it has been classified as a Variant of Uncertain Significance. This sequence change replaces glycine, which is neutral and non-polar, with serine, which is neutral and polar, at codon 68 of the SDHA protein (p.Gly68Ser). This variant is not present in population databases (gnomAD no frequency).

NM_004168.4(SDHA):c.202G>A (p.Gly68Ser)

Gene: SDHA (succinate dehydrogenase complex flavoprotein subunit A; plus strand). Cytogenetic location: 5p15.33.
Variant type: single nucleotide variant.
Coding change: c.202G>A on transcript NM_004168.4 (MANE Select); coding-DNA position 202, G replaced by A.
Protein change: p.Gly68Ser; replaces glycine 68 with serine.
Molecular consequence: missense variant.
Genome position (GRCh38, 1-based): chr5:224,411, G>A. VCF-style: chr5-224411-G-A. GRCh37 (hg19) VCF-style: chr5-224526-G-A.
Other names: c.202G>A, p.Gly68Ser (NM_001294332.2, NM_001330758.2); c.202G>A (NM_004168.2); short protein forms G68S.
Identifiers: ClinVar variation 2087444 (VCV002087444.6), dbSNP rs2477285840, ClinGen allele CA359008477.